The following is an entry in ClinVar:

ClinVar aggregate classification (germline): Uncertain significance. Review status: criteria provided, multiple submitters, no conflicts (2 of 4 stars). 3 submissions from 3 submitters: Uncertain significance (2). 1 of the submissions does not count toward it. Last evaluated 2025-09-19.

Conditions:
Autosomal recessive congenital ichthyosis 2 (ARCI2). Identifiers: Orphanet 281122, Orphanet 79394, MedGen C3888093, MONDO:0009439, OMIM 242100.

Allele frequency attached by ClinVar (database versions not stated): gnomAD exomes below 0.00001.
gnomAD v4.1: 4 of 1,551,190 alleles (0.00026%); highest among the groups gnomAD compares: Non-Finnish European, 0.00035%; no homozygotes.

Submissions (3):

Women's Health and Genetics/Laboratory Corporation of America, LabCorp
Classification: Uncertain significance. Last evaluated: 2025-09-19. Review status: criteria provided, single submitter. Criteria: LabCorp Variant Classification Summary - May 2015. Collection method: clinical testing. Allele origin: germline.
Comment: Variant summary: ALOX12B c.1015C>G (p.Pro339Ala) results in a non-conservative amino acid change in the encoded protein sequence. Algorithms developed to predict the effect of missense changes on protein structure and function all suggest that this variant is likely to be disruptive. The variant was absent in 156072 control chromosomes (gnomAD). The available data on variant occurrences in the general population are insufficient to allow any conclusion about variant significance. c.1015C>G has been observed in individuals affected with Lamellar Ichthyosis (Hotz_2021, Frommherz_2021). These reports do not provide unequivocal conclusions about association of the variant with Lamellar Ichthyosis. To our knowledge, no experimental evidence demonstrating an impact on protein function has been reported. The following publications have been ascertained in the context of this evaluation (PMID: 34273205, 33435499). ClinVar contains an entry for this variant (Variation ID: 889408). Based on the evidence outlined above, the variant was classified as uncertain significance.

Illumina Laboratory Services, Illumina
Classification: Uncertain significance for Autosomal recessive congenital ichthyosis 2. Last evaluated: 2018-03-23. Review status: criteria provided, single submitter. Criteria: ICSL Variant Classification Criteria 13 December 2019. Collection method: clinical testing. Allele origin: germline.

Institute for Human Genetics, University Medical Center Freiburg
Classification: Pathogenic for Autosomal recessive congenital ichthyosis 2. Last evaluated: 2021-01-07. Review status: no assertion criteria provided. Collection method: clinical testing. Allele origin: unknown. Affected: yes. Not counted in ClinVar's aggregate classification.

Literature cited by the submitters: PubMed 33435499 (cited by Women's Health and Genetics/Laboratory Corporation of America, LabCorp); PubMed 34273205 (cited by Women's Health and Genetics/Laboratory Corporation of America, LabCorp).

NM_001139.3(ALOX12B):c.1015C>G (p.Pro339Ala)

Gene: ALOX12B (arachidonate 12-lipoxygenase, 12R type; minus strand). Cytogenetic location: 17p13.1.
Variant type: single nucleotide variant.
Coding change: c.1015C>G on transcript NM_001139.3 (MANE Select); coding-DNA position 1015, C replaced by G.
Protein change: p.Pro339Ala; replaces proline 339 with alanine.
Molecular consequence: missense variant.
Genome position (GRCh38, 1-based): chr17:8,079,452, G>C on the plus strand (C>G on the coding strand, the complement: ALOX12B is on the minus strand). VCF-style: chr17-8079452-G-C. GRCh37 (hg19) VCF-style: chr17-7982770-G-C.
Other names: short protein forms P339A.
Identifiers: ClinVar variation 889408 (VCV000889408.7), dbSNP rs1977158385, ClinGen allele CA397993182.